The following is an entry in ClinVar:

NM_130384.3(ATRIP):c.488A>G (p.His163Arg)

Genes: ATRIP (ATR interacting protein; plus strand), ATRIP-TREX1 (ATRIP-TREX1 readthrough; plus strand). Cytogenetic location: 3p21.31.
Variant type: single nucleotide variant.
Coding change: c.488A>G on transcript NM_130384.3 (MANE Select); coding-DNA position 488, A replaced by G.
Protein change: p.His163Arg; replaces histidine 163 with arginine.
Molecular consequence: missense variant. On other transcripts: non-coding transcript variant (1).
Genome position (GRCh38, 1-based): chr3:48,451,835, A>G. VCF-style: chr3-48451835-A-G. GRCh37 (hg19) VCF-style: chr3-48493241-A-G.
Other names: c.107A>G, p.His36Arg (NM_001271022.2); c.209A>G, p.His70Arg (NM_001271023.2); c.488A>G, p.His163Arg (NM_032166.4); c.488A>G (NM_130384.1); short protein forms H70R, H163R, H36R.
Identifiers: ClinVar variation 2023020 (VCV002023020.5), dbSNP rs1347404468, ClinGen allele CA352709745.

ClinVar aggregate classification (germline): Uncertain significance. Review status: criteria provided, multiple submitters, no conflicts (2 of 4 stars). 2 submissions from 2 submitters: Uncertain significance (2). Last evaluated 2025-04-19.

Submissions (2):

Ambry Genetics
Classification: Uncertain significance. Last evaluated: 2025-04-19. Review status: criteria provided, single submitter. Criteria: Ambry Variant Classification Scheme 2023. Collection method: clinical testing. Allele origin: germline.

Labcorp Genetics (formerly Invitae), Labcorp
Classification: Uncertain significance. Last evaluated: 2022-07-19. Review status: criteria provided, single submitter. Criteria: Invitae Variant Classification Sherloc (09022015). Collection method: clinical testing. Allele origin: germline.
Comment: In summary, the available evidence is currently insufficient to determine the role of this variant in disease. Therefore, it has been classified as a Variant of Uncertain Significance. Algorithms developed to predict the effect of missense changes on protein structure and function are either unavailable or do not agree on the potential impact of this missense change (SIFT: "Tolerated"; PolyPhen-2: "Possibly Damaging"; Align-GVGD: "Class C0"). This variant has not been reported in the literature in individuals affected with ATRIP-related conditions. This variant is present in population databases (no rsID available, gnomAD 0.006%). This sequence change replaces histidine, which is basic and polar, with arginine, which is basic and polar, at codon 163 of the ATRIP protein (p.His163Arg).